The following is an entry in ClinVar:

NM_006258.4(PRKG1):c.311+39044GT[15]

Gene: PRKG1 (protein kinase cGMP-dependent 1; plus strand). Cytogenetic location: 10q21.1.
Variant type: Microsatellite.
Coding change: c.311+39044GT[15] on transcript NM_006258.4 (MANE Select); 15 copies in a row of the 2-base unit GT starting at c.311+39044; the reference has 21 copies in a row; six copies, 12 bases deleted.
Molecular consequence: intron variant.
Genome position (GRCh38, 1-based): chr10:51,113,975-51,113,986, GTGTGTGTGTGT deleted; deleting any 12 consecutive bases within chr10:51,113,945-51,113,986 gives the same sequence; the position shown is the placement nearest the transcript's 3' end. VCF-style (leftmost placement, unchanged base first): chr10-51113944-CGTGTGTGTGTGT-C. GRCh37 (hg19) VCF-style: chr10-52873704-CGTGTGTGTGTGT-C.
Other names: c.267-39219GT[15] (NM_001098512.3); c.311+39044GT[15] (NM_001374782.1).
Identifiers: ClinVar variation 4533655 (VCV004533655.6).

ClinVar aggregate classification (germline): Benign (1 of 4 stars; one submission).

Submission:

CeGaT Center for Human Genetics Tuebingen
Classification: Benign. Last evaluated: 2026-09-01. Review status: criteria provided, single submitter. Criteria: CeGaT Center For Human Genetics Tuebingen Variant Classification Criteria Version 2. Collection method: clinical testing. Allele origin: germline. Affected: yes. Observed: 10 variant alleles.
Comment: PRKG1: BS1, BS2